The following is an entry in ClinVar:

ClinVar aggregate classification (germline): Pathogenic (1 of 4 stars; one submission).

Submission:

Labcorp Genetics (formerly Invitae), Labcorp
Classification: Pathogenic. Last evaluated: 2021-07-30. Review status: criteria provided, single submitter. Criteria: Invitae Variant Classification Sherloc (09022015). Collection method: clinical testing. Allele origin: germline.
Comment: This variant is not present in population databases (ExAC no frequency). For these reasons, this variant has been classified as Pathogenic. This variant has not been reported in the literature in individuals affected with RELA-related conditions. This sequence change creates a premature translational stop signal (p.Glu39*) in the RELA gene. It is expected to result in an absent or disrupted protein product. Loss-of-function variants in RELA are known to be pathogenic (PMID: 28600438).

Literature cited by the submitters: PubMed 28600438.

NM_021975.4(RELA):c.115G>T (p.Glu39Ter)

Gene: RELA (RELA proto-oncogene, NF-kB subunit; minus strand). Cytogenetic location: 11q13.1.
Variant type: single nucleotide variant.
Coding change: c.115G>T on transcript NM_021975.4 (MANE Select); coding-DNA position 115, G replaced by T.
Protein change: p.Glu39Ter; replaces glutamic acid 39 with a stop codon.
Molecular consequence: nonsense.
Genome position (GRCh38, 1-based): chr11:65,662,008, C>A on the plus strand (G>T on the coding strand, the complement: RELA is on the minus strand). VCF-style: chr11-65662008-C-A. GRCh37 (hg19) VCF-style: chr11-65429479-C-A.
Other names: c.115G>T, p.Glu39Ter (NM_001145138.2, NM_001243984.2, NM_001243985.2); short protein forms E39*.
Identifiers: ClinVar variation 1456919 (VCV001456919.6), dbSNP rs1268667021, ClinGen allele CA381394948.